The following is an entry in ClinVar:

NM_018131.5(CEP55):c.706T>C (p.Cys236Arg)

Gene: CEP55 (centrosomal protein 55; plus strand). Cytogenetic location: 10q23.33.
Variant type: single nucleotide variant.
Coding change: c.706T>C on transcript NM_018131.5 (MANE Select); coding-DNA position 706, T replaced by C.
Protein change: p.Cys236Arg; replaces cysteine 236 with arginine.
Molecular consequence: missense variant.
Genome position (GRCh38, 1-based): chr10:93,516,961, T>C. VCF-style: chr10-93516961-T-C. GRCh37 (hg19) VCF-style: chr10-95276718-T-C.
Other names: c.706T>C (NM_001127182.1); c.706T>C, p.Cys236Arg (NM_001127182.2); short protein forms C236R.
Identifiers: ClinVar variation 1599817 (VCV001599817.11), dbSNP rs7072484, ClinGen allele CA5608988.
Genomic context (GRCh38, chr10:93,516,961, plus strand): 5'-AAAGTGAGTTGTGCCGTAATGTTGTTTGTCATAGGTTATCTTCAAGAAGAGAAGCAGAAA[T>C]GTTACAACGATCTCTTGGCAAGTGCAAAAAAAGATCTTGAGGTTGAACGACAAACCATAA-3'
Protein context (NP_060601.4, residues 226-246): EGYLQEEKQK[Cys236Arg]YNDLLASAKK

ClinVar aggregate classification (germline): Benign. Review status: criteria provided, multiple submitters, no conflicts (2 of 4 stars). 3 submissions from 3 submitters: Benign (2). 1 of the submissions does not count toward it. Last evaluated 2026-02-01.

Conditions:
CEP55-related disorder. Also called: CEP55-related condition.

Allele frequency attached by ClinVar (database versions not stated): gnomAD exomes 0.03253 and 0.01926; 1000 Genomes Project 30x 0.09931; ExAC 0.03779; TOPMed 0.10755; gnomAD 0.10086 and 0.09447; 1000 Genomes Project 0.09285; ESP Exome Variant Server 0.10972.
gnomAD v4.1: 42,819 of 1,590,582 alleles (2.7%); highest among the groups gnomAD compares: African/African-American, 30%; 3,755 homozygotes.

Submissions (3):

Labcorp Genetics (formerly Invitae), Labcorp
Classification: Benign. Last evaluated: 2026-02-01. Review status: criteria provided, single submitter. Criteria: Invitae Variant Classification Sherloc (09022015). Collection method: clinical testing. Allele origin: germline.

Breakthrough Genomics
Classification: Benign. Review status: criteria provided, single submitter. Criteria: ACMG Guidelines, 2015. Collection method: not provided. Allele origin: germline. Inheritance: Autosomal recessive inheritance. Affected: yes.

PreventionGenetics, part of Exact Sciences
Classification: Benign for CEP55-related condition. Last evaluated: 2019-11-14. Review status: no assertion criteria provided. Collection method: clinical testing. Allele origin: germline. Not counted in ClinVar's aggregate classification.
Comment: This variant is classified as benign based on ACMG/AMP sequence variant interpretation guidelines (Richards et al. 2015 PMID: 25741868, with internal and published modifications).